The following is an entry in ClinVar:

NM_005359.6(SMAD4):c.326_331del (p.Leu109_Lys110del)

Gene: SMAD4 (SMAD family member 4; plus strand). Cytogenetic location: 18q21.2.
Variant type: Deletion.
Coding change: c.326_331del on transcript NM_005359.6 (MANE Select); coding-DNA positions 326 to 331, 6 bases deleted (TAAAAC; older notation c.326_331delTAAAAC).
Protein change: p.Leu109_Lys110del.
Molecular consequence: inframe deletion. On other transcripts: non-coding transcript variant (2).
Genome position (GRCh38, 1-based): chr18:51,048,762-51,048,767, TAAAAC deleted; deleting any 6 consecutive bases within chr18:51,048,759-51,048,767 gives the same sequence; the c. name uses the placement nearest the transcript's 3' end. VCF-style (leftmost placement, unchanged base first): chr18-51048758-GAACTAA-G. GRCh37 (hg19) VCF-style: chr18-48575128-GAACTAA-G.
Other names: c.326_331del, p.Leu109_Lys110del (NM_001407041.1, NM_001407042.1, NM_001407043.1).
Identifiers: ClinVar variation 2764968 (VCV002764968.3), dbSNP rs2511369474, ClinGen allele CA2697555505.

ClinVar aggregate classification (germline): Uncertain significance (1 of 4 stars; one submission).

Conditions:
Juvenile polyposis syndrome (JPS). Identifiers: Orphanet 2929, MedGen C0345893, MONDO:0017380, OMIM 174900.

Submission:

Labcorp Genetics (formerly Invitae), Labcorp
Classification: Uncertain significance for Juvenile polyposis syndrome. Last evaluated: 2023-10-04. Review status: criteria provided, single submitter. Criteria: Invitae Variant Classification Sherloc (09022015). Collection method: clinical testing. Allele origin: germline.
Comment: This variant, c.326_331del, results in the deletion of 2 amino acid(s) of the SMAD4 protein (p.Leu109_Lys110del), but otherwise preserves the integrity of the reading frame. This variant is not present in population databases (gnomAD no frequency). This variant has not been reported in the literature in individuals affected with SMAD4-related conditions. Experimental studies and prediction algorithms are not available or were not evaluated, and the functional significance of this variant is currently unknown. In summary, the available evidence is currently insufficient to determine the role of this variant in disease. Therefore, it has been classified as a Variant of Uncertain Significance.